The following is an entry in ClinVar:

ClinVar aggregate classification (germline): Likely benign. Review status: criteria provided, multiple submitters, no conflicts (2 of 4 stars). 3 submissions from 3 submitters: Likely benign (3). Last evaluated 2025-05-15.

Conditions:
PIGG-related disorder. Also called: PIGG-related condition.
Intellectual disability, autosomal recessive 53 (NEDHSCA). Also called: NEURODEVELOPMENTAL DISORDER WITH OR WITHOUT HYPOTONIA, SEIZURES, AND CEREBELLAR ATROPHY; GLYCOSYLPHOSPHATIDYLINOSITOL BIOSYNTHESIS DEFECT 13; Mental retardation, autosomal recessive 53. Identifiers: Orphanet 488635, MedGen C4310794, MONDO:0014832, OMIM 616917.

Allele frequency attached by ClinVar (database versions not stated): gnomAD 0.00012 and 0.00015; ESP Exome Variant Server 0.00015; TOPMed 0.00017; gnomAD exomes 0.00021; ExAC 0.00025; 1000 Genomes Project 30x 0.00031; 1000 Genomes Project 0.00040.
gnomAD v4.1: 121 of 1,614,180 alleles (0.0075%); highest among the groups gnomAD compares: East Asian, 0.15%; 1 homozygote.

Submissions (3):

PreventionGenetics, part of Exact Sciences
Classification: Likely benign for PIGG-related condition. Last evaluated: 2025-05-15. Review status: criteria provided, single submitter. Criteria: ACMG Guidelines, 2015. Collection method: clinical testing. Allele origin: germline.
Comment: This variant is classified as likely benign based on ACMG/AMP sequence variant interpretation guidelines (Richards et al. 2015 PMID: 25741868, with internal and published modifications).

Labcorp Genetics (formerly Invitae), Labcorp
Classification: Likely benign for Intellectual disability, autosomal recessive 53. Last evaluated: 2024-10-23. Review status: criteria provided, single submitter. Criteria: Invitae Variant Classification Sherloc (09022015). Collection method: clinical testing. Allele origin: germline.

ARUP Laboratories, Molecular Genetics and Genomics, ARUP Laboratories
Classification: Likely benign. Last evaluated: 2024-05-14. Review status: criteria provided, single submitter. Criteria: ARUP Molecular Germline Variant Investigation Process 2024. Collection method: clinical testing. Allele origin: germline.

NM_001127178.3(PIGG):c.1591G>A (p.Val531Met)

Gene: PIGG (phosphatidylinositol glycan anchor biosynthesis class G (EMM blood group); plus strand). Cytogenetic location: 4p16.3.
Variant type: single nucleotide variant.
Coding change: c.1591G>A on transcript NM_001127178.3 (MANE Select); coding-DNA position 1591, G replaced by A.
Protein change: p.Val531Met; replaces valine 531 with methionine.
Molecular consequence: missense variant. On other transcripts: 3 prime UTR variant (2), non-coding transcript variant (10).
Genome position (GRCh38, 1-based): chr4:521,918, G>A. VCF-style: chr4-521918-G-A. GRCh37 (hg19) VCF-style: chr4-515707-G-A.
Other names: c.1324G>A, p.Val442Met (NM_001289051.2, NM_001289053.2, NM_001345986.2); c.1192G>A, p.Val398Met (NM_001289052.2); c.*153G>A (NM_001289055.2); c.*206G>A (NM_001289057.2); c.1300G>A, p.Val434Met (NM_001345987.2); c.562G>A, p.Val188Met (NM_001345988.2); c.1591G>A, p.Val531Met (NM_001345989.2); c.58G>A, p.Val20Met (NM_001345990.2, NM_001345991.2); and 2 more; short protein forms V531M, V434M, V523M, V398M, V165M, V442M, V188M, V20M.
Identifiers: ClinVar variation 578352 (VCV000578352.14), dbSNP rs143362968, ClinGen allele CA2793359.